The following is an entry in ClinVar:

ClinVar aggregate classification (germline): Likely benign. Review status: criteria provided, multiple submitters, no conflicts (2 of 4 stars). 2 submissions from 2 submitters: Likely benign (2). Last evaluated 2026-03-01.

Allele frequency attached by ClinVar (database versions not stated): ESP Exome Variant Server 0.00015.
gnomAD v4.1: 125 of 1,613,408 alleles (0.0077%); highest among the groups gnomAD compares: Non-Finnish European, 0.0095%; no homozygotes.

Submissions (2):

CeGaT Center for Human Genetics Tuebingen
Classification: Likely benign. Last evaluated: 2026-03-01. Review status: criteria provided, single submitter. Criteria: CeGaT Center For Human Genetics Tuebingen Variant Classification Criteria Version 2. Collection method: clinical testing. Allele origin: germline. Affected: yes. Observed: 1 variant allele.
Comment: ADCY5: BP4, BP7

Labcorp Genetics (formerly Invitae), Labcorp
Classification: Likely benign. Last evaluated: 2025-08-27. Review status: criteria provided, single submitter. Criteria: Invitae Variant Classification Sherloc (09022015). Collection method: clinical testing. Allele origin: germline.

NM_183357.3(ADCY5):c.2721C>T (p.Pro907=)

Gene: ADCY5 (adenylate cyclase 5; minus strand). Cytogenetic location: 3q21.1.
Variant type: single nucleotide variant.
Coding change: c.2721C>T on transcript NM_183357.3 (MANE Select); coding-DNA position 2721, C replaced by T.
Protein change: p.Pro907=; no amino-acid change (proline 907 retained).
Molecular consequence: synonymous variant.
Genome position (GRCh38, 1-based): chr3:123,303,058, G>A on the plus strand (C>T on the coding strand, the complement: ADCY5 is on the minus strand). VCF-style: chr3-123303058-G-A. GRCh37 (hg19) VCF-style: chr3-123021905-G-A.
Other names: c.1671C>T, p.Pro557= (NM_001199642.1); c.2721C>T, p.Pro907= (NM_001378259.1).
Identifiers: ClinVar variation 1659462 (VCV001659462.12), dbSNP rs143322376, ClinGen allele CA2577020.